The following is an entry in ClinVar:

ClinVar aggregate classification (germline): Uncertain significance (1 of 4 stars; one submission).

Submission:

Labcorp Genetics (formerly Invitae), Labcorp
Classification: Uncertain significance. Last evaluated: 2021-10-29. Review status: criteria provided, single submitter. Criteria: Invitae Variant Classification Sherloc (09022015). Collection method: clinical testing. Allele origin: germline.
Comment: This variant has not been reported in the literature in individuals affected with USH2A-related conditions. This sequence change replaces glutamine, which is neutral and polar, with histidine, which is basic and polar, at codon 1063 of the USH2A protein (p.Gln1063His). This variant is not present in population databases (gnomAD no frequency). Algorithms developed to predict the effect of missense changes on protein structure and function (SIFT, PolyPhen-2, Align-GVGD) all suggest that this variant is likely to be tolerated. In summary, the available evidence is currently insufficient to determine the role of this variant in disease. Therefore, it has been classified as a Variant of Uncertain Significance.

NM_206933.4(USH2A):c.3189A>C (p.Gln1063His)

Genes: USH2A-AS1 (USH2A antisense RNA 1; plus strand), USH2A (usherin; minus strand). Cytogenetic location: 1q41.
Variant type: single nucleotide variant.
Coding change: c.3189A>C on transcript NM_206933.4 (MANE Select); coding-DNA position 3189, A replaced by C.
Protein change: p.Gln1063His; replaces glutamine 1063 with histidine.
Molecular consequence: missense variant.
Genome position (GRCh38, 1-based): chr1:216,207,400, T>G on the plus strand (A>C on the coding strand, the complement: USH2A is on the minus strand). VCF-style: chr1-216207400-T-G. GRCh37 (hg19) VCF-style: chr1-216380742-T-G.
Other names: c.3189A>C, p.Gln1063His (NM_007123.6); short protein forms Q1063H.
Identifiers: ClinVar variation 1390129 (VCV001390129.6), dbSNP rs1369422361, ClinGen allele CA344862583.